The following is an entry in ClinVar:

ClinVar aggregate classification (germline): Uncertain significance (1 of 4 stars; one submission).

gnomAD v4.1: 16 of 1,449,694 alleles (0.0011%); highest among the groups gnomAD compares: Non-Finnish European, 0.0013%; no homozygotes.

Submission:

Labcorp Genetics (formerly Invitae), Labcorp
Classification: Uncertain significance. Last evaluated: 2025-05-22. Review status: criteria provided, single submitter. Criteria: Invitae Variant Classification Sherloc (09022015). Collection method: clinical testing. Allele origin: germline.
Comment: This sequence change replaces glycine, which is neutral and non-polar, with serine, which is neutral and polar, at codon 93 of the PDE4D protein (p.Gly93Ser). The frequency data for this variant in the population databases is considered unreliable, as metrics indicate poor data quality at this position in the gnomAD database. This variant has not been reported in the literature in individuals affected with PDE4D-related conditions. An algorithm developed to predict the effect of missense changes on protein structure and function (PolyPhen-2) suggests that this variant is likely to be tolerated. In summary, the available evidence is currently insufficient to determine the role of this variant in disease. Therefore, it has been classified as a Variant of Uncertain Significance.

NM_001104631.2(PDE4D):c.277G>A (p.Gly93Ser)

Gene: PDE4D (phosphodiesterase 4D; minus strand). Cytogenetic location: 5q12.1.
Variant type: single nucleotide variant.
Coding change: c.277G>A on transcript NM_001104631.2 (MANE Select); coding-DNA position 277, G replaced by A.
Protein change: p.Gly93Ser; replaces glycine 93 with serine.
Molecular consequence: missense variant. On other transcripts: intron variant (5).
Genome position (GRCh38, 1-based): chr5:59,893,346, C>T on the plus strand (G>A on the coding strand, the complement: PDE4D is on the minus strand). VCF-style: chr5-59893346-C-T. GRCh37 (hg19) VCF-style: chr5-59189173-C-T.
Other names: c.272+95142G>A (NM_001364599.1, NM_001165899.2, NM_001364600.2); c.-240+95142G>A (NM_001349243.2); c.242+95142G>A (NM_001349241.2); short protein forms G93S.
Identifiers: ClinVar variation 4691947 (VCV004691947.1).
Genomic context (GRCh38, chr5:59,893,346, plus strand): 5'-CGGTGTCCGAGTAGCCGCGATGCCGGACGCGGCCGGTGGCCCCGCTCGAGGCGTAGCGGC[C>T]GCGGGCAGCCCCGGGCGGCGGCGGGGGCGGCGGCAGGGGGGGCGGCGGCGGCGGCTGTAG-3'
Protein context (NP_001098101.1, residues 83-103): PPPPPPGAAR[Gly93Ser]RYASSGATGR